The following is an entry in ClinVar:

ClinVar aggregate classification (germline): Uncertain significance. Review status: criteria provided, multiple submitters, no conflicts (2 of 4 stars). 4 submissions from 4 submitters: Uncertain significance (4). Last evaluated 2026-09-17.

Conditions:
MARS1-related disorder. Also called: MARS1-related condition.
Severe early-onset pulmonary alveolar proteinosis due to MARS deficiency. Also called: Interstitial lung and liver disease; PULMONARY ALVEOLAR PROTEINOSIS, REUNION ISLAND. Identifiers: Orphanet 440427, MedGen C4225400, MONDO:0014206, OMIM 615486.
Charcot-Marie-Tooth disease axonal type 2U. Also called: CHARCOT-MARIE-TOOTH NEUROPATHY, TYPE 2U; CHARCOT-MARIE-TOOTH DISEASE, AXONAL, AUTOSOMAL DOMINANT, TYPE 2U. Identifiers: Orphanet 397735, MedGen C4084821, MONDO:0014566, OMIM 616280.

Allele frequency attached by ClinVar (database versions not stated): gnomAD exomes 0.00001 and 0.00003; gnomAD 0.00003 and 0.00004; ExAC 0.00004; TOPMed 0.00005.
gnomAD v4.1: 23 of 1,614,024 alleles (0.0014%); highest among the groups gnomAD compares: African/African-American, 0.0067%; no homozygotes.

Submissions (4):

PreventionGenetics, part of Exact Sciences
Classification: Uncertain significance for MARS1-related condition. Last evaluated: 2026-09-17. Review status: criteria provided, single submitter. Criteria: ACMG Guidelines, 2015. Collection method: clinical testing. Allele origin: germline.
Comment: The MARS1 c.1337C>T variant is predicted to result in the amino acid substitution p.Ser446Leu. To our knowledge, this variant has not been reported in the literature. This variant is reported in 0.0062% of alleles in individuals of African descent in gnomAD. At this time, the clinical significance of this variant is uncertain due to the absence of conclusive functional and genetic evidence.

Ambry Genetics
Classification: Uncertain significance. Last evaluated: 2023-09-23. Review status: criteria provided, single submitter. Criteria: Ambry Variant Classification Scheme 2023. Collection method: clinical testing. Allele origin: germline.

Labcorp Genetics (formerly Invitae), Labcorp
Classification: Uncertain significance for Charcot-Marie-Tooth disease axonal type 2U; Severe early-onset pulmonary alveolar proteinosis due to MARS deficiency. Last evaluated: 2023-02-10. Review status: criteria provided, single submitter. Criteria: Invitae Variant Classification Sherloc (09022015). Collection method: clinical testing. Allele origin: germline.
Comment: In summary, the available evidence is currently insufficient to determine the role of this variant in disease. Therefore, it has been classified as a Variant of Uncertain Significance. This sequence change replaces serine, which is neutral and polar, with leucine, which is neutral and non-polar, at codon 446 of the MARS protein (p.Ser446Leu). This variant is present in population databases (rs562565076, gnomAD 0.007%). This variant has not been reported in the literature in individuals affected with MARS-related conditions. ClinVar contains an entry for this variant (Variation ID: 452282). Algorithms developed to predict the effect of missense changes on protein structure and function (SIFT, PolyPhen-2, Align-GVGD) all suggest that this variant is likely to be tolerated.

GeneDx
Classification: Uncertain significance. Last evaluated: 2017-09-19. Review status: criteria provided, single submitter. Criteria: GeneDx Variant Classification (06012015). Collection method: clinical testing. Allele origin: germline. Affected: yes.
Comment: The S446L variant in the MARS gene has not been reported previously as a pathogenic variant, nor as a benign variant, to our knowledge. The S446L variant is not observed at a significant frequency in large population cohorts (Lek et al., 2016; 1000 Genomes Consortium et al., 2015; Exome Variant Server). The S446L variant is a non-conservative amino acid substitution, which occurs at a position where amino acids with similar properties to Serine are tolerated across species. In silico analysis predicts this variant is probably damaging to the protein structure/function. We interpret S446L as a variant of uncertain significance.

NM_004990.4(MARS1):c.1337C>T (p.Ser446Leu)

Gene: MARS1 (methionyl-tRNA synthetase 1; plus strand). Cytogenetic location: 12q13.3.
Variant type: single nucleotide variant.
Coding change: c.1337C>T on transcript NM_004990.4 (MANE Select); coding-DNA position 1337, C replaced by T.
Protein change: p.Ser446Leu; replaces serine 446 with leucine.
Molecular consequence: missense variant.
Genome position (GRCh38, 1-based): chr12:57,504,268, C>T. VCF-style: chr12-57504268-C-T. GRCh37 (hg19) VCF-style: chr12-57898051-C-T.
Other names: short protein forms S446L.
Identifiers: ClinVar variation 452282 (VCV000452282.8), dbSNP rs562565076, ClinGen allele CA6650480.